The following is an entry in ClinVar:

ClinVar aggregate classification (germline): Uncertain significance. Review status: criteria provided, single submitter (1 of 4 stars). 2 submissions from 2 submitters: Uncertain significance (1). 1 of the submissions does not count toward it. Last evaluated 2025-04-11.

Conditions:
Focal segmental glomerulosclerosis 1 (FSGS1). Identifiers: Orphanet 656, MedGen C4551527, MONDO:0011303, OMIM 603278.
ACTN4-related disorder. Also called: ACTN4-related condition.

Allele frequency attached by ClinVar (database versions not stated): gnomAD exomes below 0.00001; ExAC 0.00001.

Submissions (2):

PreventionGenetics, part of Exact Sciences
Classification: Uncertain significance for ACTN4-related condition. Last evaluated: 2025-04-11. Review status: criteria provided, single submitter. Criteria: ACMG Guidelines, 2015. Collection method: clinical testing. Allele origin: germline.
Comment: The ACTN4 c.1826A>G variant is predicted to result in the amino acid substitution p.Asn609Ser. To our knowledge, this variant has not been reported in the literature. This variant is reported in 0.00088% of alleles in individuals of European (Non-Finnish) descent in gnomAD. At this time, the clinical significance of this variant is uncertain due to the absence of conclusive functional and genetic evidence.

Bioscientia Institut fuer Medizinische Diagnostik GmbH, Sonic Healthcare
Classification: Uncertain significance for Focal segmental glomerulosclerosis 1. Last evaluated: 2019-08-30. Review status: no assertion criteria provided. Collection method: clinical testing. Allele origin: germline. Affected: yes. Not counted in ClinVar's aggregate classification.

NM_004924.6(ACTN4):c.1826A>G (p.Asn609Ser)

Gene: ACTN4 (actinin alpha 4; plus strand). Cytogenetic location: 19q13.2.
Variant type: single nucleotide variant.
Coding change: c.1826A>G on transcript NM_004924.6 (MANE Select); coding-DNA position 1826, A replaced by G.
Protein change: p.Asn609Ser; replaces asparagine 609 with serine.
Molecular consequence: missense variant.
Genome position (GRCh38, 1-based): chr19:38,724,290, A>G. VCF-style: chr19-38724290-A-G. GRCh37 (hg19) VCF-style: chr19-39214930-A-G.
Other names: c.1826A>G, p.Asn609Ser (NM_001322033.2); short protein forms N609S.
Identifiers: ClinVar variation 829890 (VCV000829890.3), dbSNP rs777000965, ClinGen allele CA9417789.
Genomic context (GRCh38, chr19:38,724,290, plus strand): 5'-CCATCCACAAGGAGGCCCAGAGGATCGCTGAGAGCAACCACATCAAGCTGTCGGGCAGCA[A>G]CCCCTACACCACCGTCACCCCGCAAATCATCAACTCCAAGTGGGAGAAGGTGGGCCGGGG-3'
Protein context (NP_004915.2, residues 599-619): ESNHIKLSGS[Asn609Ser]PYTTVTPQII